The following is an entry in ClinVar:

ClinVar aggregate classification (germline): Uncertain significance (1 of 4 stars; one submission).

Conditions:
Combined deficiency of sialidase AND beta galactosidase (GSL). Also called: PPCA DEFICIENCY; PROTECTIVE PROTEIN/CATHEPSIN A DEFICIENCY; GOLDBERG SYNDROME; Galactosialidosis; NEURAMINIDASE DEFICIENCY WITH BETA-GALACTOSIDASE DEFICIENCY; NEURAMINIDASE/BETA-GALACTOSIDASE EXPRESSION. Identifiers: Orphanet 351, MedGen C0268233, MONDO:0009737, OMIM 256540.

Allele frequency attached by ClinVar (database versions not stated): gnomAD exomes 0.00001; TOPMed 0.00001; gnomAD 0.00002.
gnomAD v4.1: 15 of 1,574,968 alleles (0.00095%); highest among the groups gnomAD compares: Non-Finnish European, 0.0012%; no homozygotes.

Submission:

Labcorp Genetics (formerly Invitae), Labcorp
Classification: Uncertain significance for Combined deficiency of sialidase AND beta galactosidase. Last evaluated: 2021-12-02. Review status: criteria provided, single submitter. Criteria: Invitae Variant Classification Sherloc (09022015). Collection method: clinical testing. Allele origin: germline.
Comment: This sequence change replaces glycine, which is neutral and non-polar, with arginine, which is basic and polar, at codon 15 of the CTSA protein (p.Gly15Arg). This variant is present in population databases (rs770340993, gnomAD 0.004%). This variant has not been reported in the literature in individuals affected with CTSA-related conditions. Algorithms developed to predict the effect of missense changes on protein structure and function output the following: SIFT: "Not Available"; PolyPhen-2: "Benign"; Align-GVGD: "Not Available". The arginine amino acid residue is found in multiple mammalian species, which suggests that this missense change does not adversely affect protein function. In summary, the available evidence is currently insufficient to determine the role of this variant in disease. Therefore, it has been classified as a Variant of Uncertain Significance.

NM_000308.4(CTSA):c.-12G>C

Gene: CTSA (cathepsin A; plus strand). Cytogenetic location: 20q13.12.
Variant type: single nucleotide variant.
Coding change: c.-12G>C on transcript NM_000308.4 (MANE Select); 12 bases upstream of the start codon, G replaced by C.
Molecular consequence: 5 prime UTR variant. On other transcripts: non-coding transcript variant (1).
Genome position (GRCh38, 1-based): chr20:45,891,368, G>C. VCF-style: chr20-45891368-G-C. GRCh37 (hg19) VCF-style: chr20-44520007-G-C.
Other names: c.-58G>C (NM_001127695.3); c.-12G>C (NM_001167594.3).
Identifiers: ClinVar variation 1439063 (VCV001439063.5), dbSNP rs770340993, ClinGen allele CA9882877.